The following is an entry in ClinVar:

ClinVar aggregate classification (germline): Pathogenic (1 of 4 stars; one submission).

Conditions:
Mucopolysaccharidosis, MPS-IV-B (MPS4B). Also called: Mucopolysaccharidosis type 4B; Mucopolysaccharidosis type IVB (Morquio); MPS IVB; MORQUIO SYNDROME B; Mucopolysaccharidosis type IV B; Mucopolysaccharidosis Type IVB. Identifiers: Orphanet 309310, Orphanet 582, MedGen C0086652, MONDO:0009660, OMIM 253010.
GM1 gangliosidosis. Identifiers: Orphanet 354, MedGen C0085131, MONDO:0018149.

Submission:

Labcorp Genetics (formerly Invitae), Labcorp
Classification: Pathogenic for Mucopolysaccharidosis, MPS-IV-B; GM1 gangliosidosis. Last evaluated: 2023-01-19. Review status: criteria provided, single submitter. Criteria: Invitae Variant Classification Sherloc (09022015). Collection method: clinical testing. Allele origin: germline.
Comment: For these reasons, this variant has been classified as Pathogenic. Algorithms developed to predict the effect of sequence changes on RNA splicing suggest that this variant may disrupt the consensus splice site. Disruption of this splice site has been observed in individual(s) with GM1-gangliosidosis (PMID: 25936995). This variant is not present in population databases (gnomAD no frequency). This sequence change affects a donor splice site in intron 5 of the GLB1 gene. It is expected to disrupt RNA splicing. Variants that disrupt the donor or acceptor splice site typically lead to a loss of protein function (PMID: 16199547), and loss-of-function variants in GLB1 are known to be pathogenic (PMID: 18524657).

Literature cited by the submitters: PubMed 25936995; PubMed 16199547; PubMed 18524657.

NM_000404.4(GLB1):c.552+1G>A

Gene: GLB1 (galactosidase beta 1; minus strand). Cytogenetic location: 3p22.3.
Variant type: single nucleotide variant.
Coding change: c.552+1G>A on transcript NM_000404.4 (MANE Select); the canonical splice donor site of the intron after coding-DNA position 552, G replaced by A.
Molecular consequence: splice donor variant.
Genome position (GRCh38, 1-based): chr3:33,065,462, C>T on the plus strand (G>A on the coding strand, the complement: GLB1 is on the minus strand). VCF-style: chr3-33065462-C-T. GRCh37 (hg19) VCF-style: chr3-33106954-C-T.
Other names: c.552+1G>A (NM_001393580.1); c.340+1G>A (NM_001135602.3); c.696+1G>A (NM_001317040.2); c.462+1G>A (NM_001079811.3).
Identifiers: ClinVar variation 2942918 (VCV002942918.3), dbSNP rs2471424350, ClinGen allele CA351991646.